The following is an entry in ClinVar:

NM_004364.5(CEBPA):c.371C>G (p.Ala124Gly)

Gene: CEBPA (CCAAT enhancer binding protein alpha; minus strand). Cytogenetic location: 19q13.11.
Variant type: single nucleotide variant.
Coding change: c.371C>G on transcript NM_004364.5 (MANE Select); coding-DNA position 371, C replaced by G.
Protein change: p.Ala124Gly; replaces alanine 124 with glycine.
Molecular consequence: missense variant.
Genome position (GRCh38, 1-based): chr19:33,302,044, G>C on the plus strand (C>G on the coding strand, the complement: CEBPA is on the minus strand). VCF-style: chr19-33302044-G-C. GRCh37 (hg19) VCF-style: chr19-33792950-G-C.
Other names: c.14C>G, p.Ala5Gly (NM_001285829.2); c.476C>G, p.Ala159Gly (NM_001287424.2); c.329C>G, p.Ala110Gly (NM_001287435.2); short protein forms A110G, A124G, A159G, A5G.
Identifiers: ClinVar variation 4868702 (VCV004868702.1).
Genomic context (GRCh38, chr19:33,302,044, plus strand): 5'-TCCAGCCTGCCGTCCAGGTAGCCGGCGGCCGCGCAGCCGTAGCCGGGCGGGGGCCCGTGC[G>C]CTCCCCCGGGCATGACGGCGCCGCCGGGGCCCGCGGGCGCGCCCGGGTAGTCAAAGTCGC-3'
Protein context (NP_004355.2, residues 114-134): GPGGAVMPGG[Ala124Gly]HGPPPGYGCA

ClinVar aggregate classification (germline): Uncertain significance (1 of 4 stars; one submission).

Conditions:
Inborn genetic diseases. Identifiers: MedGen C0950123, MeSH D030342.

Submission:

Ambry Genetics
Classification: Uncertain significance for Inborn genetic diseases. Last evaluated: 2026-06-03. Review status: criteria provided, single submitter. Criteria: Ambry Variant Classification Scheme 2023. Collection method: clinical testing. Allele origin: germline.
Comment: The p.A124G variant (also known as c.371C>G), located in coding exon 1 of the CEBPA gene, results from a C to G substitution at nucleotide position 371. The alanine at codon 124 is replaced by glycine, an amino acid with similar properties. This amino acid position is conserved. In addition, this alteration is predicted to be tolerated by in silico analysis. Based on the available evidence, the clinical significance of this variant remains unclear.